The following is an entry in ClinVar:

ClinVar aggregate classification (germline): Uncertain significance (1 of 4 stars; one submission).

Allele frequency attached by ClinVar (database versions not stated): gnomAD exomes below 0.00001.

Submission:

Quest Diagnostics Nichols Institute San Juan Capistrano
Classification: Uncertain significance. Last evaluated: 2024-10-21. Review status: criteria provided, single submitter. Criteria: Quest Diagnostics criteria. Collection method: clinical testing. Allele origin: unknown.
Comment: The APOB c.320C>T (p.Pro107Leu) variant has not been reported in individuals with APOB-related conditions in the published literature. The frequency of this variant in the general population, 0.000004 (1/251256 chromosomes (Genome Aggregation Database)), is uninformative in the assessment of its pathogenicity. Analysis of this variant using bioinformatics tools for the prediction of the effect of amino acid changes on protein structure and function yielded predictions that this variant is benign. Based on the available information, we are unable to determine the clinical significance of this variant.

NM_000384.3(APOB):c.320C>T (p.Pro107Leu)

Gene: APOB (apolipoprotein B; minus strand). Cytogenetic location: 2p24.1.
Variant type: single nucleotide variant.
Coding change: c.320C>T on transcript NM_000384.3 (MANE Select); coding-DNA position 320, C replaced by T.
Protein change: p.Pro107Leu; replaces proline 107 with leucine.
Molecular consequence: missense variant.
Genome position (GRCh38, 1-based): chr2:21,041,001, G>A on the plus strand (C>T on the coding strand, the complement: APOB is on the minus strand). VCF-style: chr2-21041001-G-A. GRCh37 (hg19) VCF-style: chr2-21263873-G-A.
Other names: short protein forms P107L.
Identifiers: ClinVar variation 3572072 (VCV003572072.1), dbSNP rs1270615687.